The following is an entry in ClinVar:

ClinVar aggregate classification (germline): Likely pathogenic. Review status: criteria provided, multiple submitters, no conflicts (2 of 4 stars). 2 submissions from 2 submitters: Likely pathogenic (2). Last evaluated 2026-01-24.

Conditions:
C9-related disorders.

Allele frequency attached by ClinVar (database versions not stated): ExAC 0.00001; gnomAD exomes 0.00001.
gnomAD v4.1: 12 of 1,611,502 alleles (0.00074%); highest among the groups gnomAD compares: Non-Finnish European, 0.00093%; no homozygotes.

Submissions (2):

Labcorp Genetics (formerly Invitae), Labcorp
Classification: Likely pathogenic. Last evaluated: 2026-01-24. Review status: criteria provided, single submitter. Criteria: Invitae Variant Classification Sherloc (09022015). Collection method: clinical testing. Allele origin: germline.
Comment: This sequence change affects an acceptor splice site in intron 6 of the C9 gene. It is expected to disrupt RNA splicing. Variants that disrupt the donor or acceptor splice site typically lead to a loss of protein function (PMID: 16199547), and loss-of-function variants in C9 are known to be pathogenic (PMID: 9144525, 9570574). This variant is present in population databases (rs763129394, gnomAD 0.002%). This variant has not been reported in the literature in individuals affected with C9-related conditions. ClinVar contains an entry for this variant (Variation ID: 1485646). Algorithms developed to predict the effect of sequence changes on RNA splicing suggest that this variant may disrupt the consensus splice site. In summary, the currently available evidence indicates that the variant is pathogenic, but additional data are needed to prove that conclusively. Therefore, this variant has been classified as Likely Pathogenic.

Blueprint Genetics
Classification: Likely pathogenic for C9-related disorders. Last evaluated: 2024-10-24. Review status: criteria provided, single submitter. Criteria: ACMG Guidelines, 2015. Collection method: clinical testing. Allele origin: germline. Affected: yes. Observed: 3 variant alleles.

Literature cited by the submitters: PubMed 16199547 (cited by Labcorp Genetics (formerly Invitae), Labcorp); PubMed 9144525 (cited by Labcorp Genetics (formerly Invitae), Labcorp); PubMed 9570574 (cited by Labcorp Genetics (formerly Invitae), Labcorp).

NM_001737.5(C9):c.871-2A>G

Gene: C9 (complement C9; minus strand). Cytogenetic location: 5p13.1.
Variant type: single nucleotide variant.
Coding change: c.871-2A>G on transcript NM_001737.5 (MANE Select); the canonical splice acceptor site of the intron before coding-DNA position 871, A replaced by G.
Molecular consequence: splice acceptor variant.
Genome position (GRCh38, 1-based): chr5:39,311,379, T>C on the plus strand (A>G on the coding strand, the complement: C9 is on the minus strand). VCF-style: chr5-39311379-T-C. GRCh37 (hg19) VCF-style: chr5-39311481-T-C.
Identifiers: ClinVar variation 1485646 (VCV001485646.9), dbSNP rs763129394, ClinGen allele CA3246858.